The following is an entry in ClinVar:

ClinVar aggregate classification (germline): Uncertain significance (1 of 4 stars; one submission).

Conditions:
X-linked immunodeficiency with magnesium defect, Epstein-Barr virus infection and neoplasia. Identifiers: Orphanet 317476, MedGen C3275445, MONDO:0010455, OMIM 300853.

Submission:

Labcorp Genetics (formerly Invitae), Labcorp
Classification: Uncertain significance for X-linked immunodeficiency with magnesium defect, Epstein-Barr virus infection and neoplasia. Last evaluated: 2024-08-31. Review status: criteria provided, single submitter. Criteria: Invitae Variant Classification Sherloc (09022015). Collection method: clinical testing. Allele origin: germline.
Comment: This sequence change replaces glutamine, which is neutral and polar, with glutamic acid, which is acidic and polar, at codon 161 of the MAGT1 protein (p.Gln161Glu). This variant is not present in population databases (gnomAD no frequency). This variant has not been reported in the literature in individuals affected with MAGT1-related conditions. Invitae Evidence Modeling of protein sequence and biophysical properties (such as structural, functional, and spatial information, amino acid conservation, physicochemical variation, residue mobility, and thermodynamic stability) indicates that this missense variant is not expected to disrupt MAGT1 protein function with a negative predictive value of 80%. In summary, the available evidence is currently insufficient to determine the role of this variant in disease. Therefore, it has been classified as a Variant of Uncertain Significance.

NM_001367916.1(MAGT1):c.385C>G (p.Gln129Glu)

Gene: MAGT1 (magnesium transporter 1; minus strand). Cytogenetic location: Xq21.1.
Variant type: single nucleotide variant.
Coding change: c.385C>G on transcript NM_001367916.1 (MANE Select); coding-DNA position 385, C replaced by G.
Protein change: p.Gln129Glu; replaces glutamine 129 with glutamic acid.
Molecular consequence: missense variant.
Genome position (GRCh38, 1-based): chrX:77,870,813, G>C on the plus strand (C>G on the coding strand, the complement: MAGT1 is on the minus strand). VCF-style: chrX-77870813-G-C. GRCh37 (hg19) VCF-style: chrX-77126310-G-C.
Other names: c.481C>G, p.Gln161Glu (NM_032121.5); short protein forms Q161E, Q129E.
Identifiers: ClinVar variation 3662930 (VCV003662930.2).
Genomic context (GRCh38, chrX:77,870,813, plus strand): 5'-CACTTTCACTATATTTTACCTATTTTTATATAGCAGAATAAACCAAAGATCTTACCATCT[G>C]AAATACATCAGAGCCTTCATCAAAATCCACCATGGCAAAAAATATCCTGTTGGTGAATGC-3'
Protein context (NP_001354845.1, residues 119-139): VDFDEGSDVF[Gln129Glu]MLNMNSAPTF